The following is an entry in ClinVar:

ClinVar aggregate classification (germline): Uncertain significance (1 of 4 stars; one submission).

Conditions:
Intellectual developmental disorder, X-linked, syndromic, Turner type. Also called: X-linked intellectual disability, Turner type; Intellectual disability, X-linked syndromic, Turner type. Identifiers: Orphanet 3056, Orphanet 85328, MedGen C2678046, MONDO:0010407, OMIM 309590.

Submission:

3billion
Classification: Uncertain significance for Intellectual developmental disorder, X-linked, syndromic, Turner type. Last evaluated: 2025-10-02. Review status: criteria provided, single submitter. Criteria: ACMG Guidelines, 2015. Collection method: clinical testing. Allele origin: germline. Affected: yes.
Comment: The variant is not observed in the gnomAD v4.1.0 dataset. Predicted Consequence/Location: Missense variant In silico tools predict the variant to alter splicing and produce an abnormal transcript [SpliceAI: 0.34 (>=0.2, moderate evidence for spliceogenicity)]. Therefore, this variant is classified as VUS according to the recommendation of ACMG/AMP guideline.

NM_031407.7(HUWE1):c.10387G>T (p.Ala3463Ser)

Gene: HUWE1 (HECT, UBA and WWE domain containing E3 ubiquitin protein ligase 1; minus strand). Cytogenetic location: Xp11.22.
Variant type: single nucleotide variant.
Coding change: c.10387G>T on transcript NM_031407.7 (MANE Select); coding-DNA position 10387, G replaced by T.
Protein change: p.Ala3463Ser; replaces alanine 3463 with serine.
Molecular consequence: missense variant.
Genome position (GRCh38, 1-based): chrX:53,547,922, C>A on the plus strand (G>T on the coding strand, the complement: HUWE1 is on the minus strand). VCF-style: chrX-53547922-C-A. GRCh37 (hg19) VCF-style: chrX-53574883-C-A.
Other names: c.10384G>T, p.Ala3462Ser (NM_001441048.1, NM_001441051.1, NM_001441053.1 and 2 more transcripts); c.10387G>T, p.Ala3463Ser (NM_001441049.1, NM_001441054.1, NM_001441057.1); c.10408G>T, p.Ala3470Ser (NM_001441050.1, NM_001441055.1); c.9985G>T, p.Ala3329Ser (NM_001441052.1); short protein forms A3329S, A3462S, A3463S, A3470S.
Identifiers: ClinVar variation 4854542 (VCV004854542.1).